The following is an entry in ClinVar:

ClinVar aggregate classification (germline): Likely pathogenic (1 of 4 stars; one submission).

Conditions:
Early-infantile DEE. Also called: Ohtahara syndrome; Early infantile epileptic encephalopathy with suppression bursts; Early infantile epileptic encephalopathy. Identifiers: Orphanet 1934, MedGen C0393706, MONDO:0800491.

Submission:

Labcorp Genetics (formerly Invitae), Labcorp
Classification: Likely pathogenic for Early-infantile DEE. Last evaluated: 2023-05-01. Review status: criteria provided, single submitter. Criteria: Invitae Variant Classification Sherloc (09022015). Collection method: clinical testing. Allele origin: germline.
Comment: In summary, the currently available evidence indicates that the variant is pathogenic, but additional data are needed to prove that conclusively. Therefore, this variant has been classified as Likely Pathogenic. Algorithms developed to predict the effect of sequence changes on RNA splicing suggest that this variant may disrupt the consensus splice site. This variant has not been reported in the literature in individuals affected with SCN1A-related conditions. This variant is not present in population databases (gnomAD no frequency). This variant results in the deletion of part of exon 15 (c.2590-3_2601del) of the SCN1A gene. It is expected to disrupt RNA splicing. Variants that disrupt the donor or acceptor splice site typically lead to a loss of protein function (PMID: 16199547), and loss-of-function variants in SCN1A are known to be pathogenic (PMID: 17347258, 18930999).

Literature cited by the submitters: PubMed 16199547; PubMed 17347258; PubMed 18930999.

NM_001165963.4(SCN1A):c.2590-3_2601del

Gene: SCN1A (sodium voltage-gated channel alpha subunit 1; minus strand). Cytogenetic location: 2q24.3.
Variant type: Deletion.
Coding change: c.2590-3_2601del on transcript NM_001165963.4 (MANE Select); 3 bases into the intron before coding-DNA position 2590 through coding-DNA position 2601, 15 bases deleted (CAGCTGCGAGTTTTC).
Molecular consequence: splice acceptor variant.
Genome position (GRCh38, 1-based): chr2:166,038,121-166,038,135, GAAAACTCGCAGCTG deleted on the plus strand (CAGCTGCGAGTTTTC on the coding strand, the reverse complement: SCN1A is on the minus strand); deleting any 15 consecutive bases within chr2:166,038,121-166,038,140 gives the same sequence; the c. name uses the placement nearest the transcript's 3' end. VCF-style (leftmost placement, unchanged base first): chr2-166038120-TGAAAACTCGCAGCTG-T. GRCh37 (hg19) VCF-style: chr2-166894630-TGAAAACTCGCAGCTG-T.
Other names: c.2557-3_2568del (NM_001353949.2, NM_001353950.2, NM_001353951.2 and 2 more transcripts); c.2506-3_2517del (NM_001353958.2, NM_001353957.2, NM_001165964.3); c.2590-3_2601del (NM_001202435.3, NM_001353948.2); c.2554-3_2565del (NM_001353955.2, NM_001353954.2); c.2503-3_2514del (NM_001353960.2); c.148-3_159del (NM_001353961.2).
Identifiers: ClinVar variation 2861063 (VCV002861063.3), dbSNP rs2468101174, ClinGen allele CA2739271495.